The following is an entry in ClinVar:

ClinVar aggregate classification (germline): Uncertain significance (1 of 4 stars; one submission).

Submission:

GeneDx
Classification: Uncertain significance. Last evaluated: 2024-10-10. Review status: criteria provided, single submitter. Criteria: GeneDx Variant Classification Process June 2021. Collection method: clinical testing. Allele origin: germline. Affected: yes.
Comment: Not observed at significant frequency in large population cohorts (gnomAD); In silico analysis supports that this missense variant has a deleterious effect on protein structure/function; Has not been previously published as pathogenic or benign to our knowledge

NM_130847.3(AMOTL1):c.1913A>G (p.Glu638Gly)

Gene: AMOTL1 (angiomotin like 1; plus strand). Cytogenetic location: 11q21.
Variant type: single nucleotide variant.
Coding change: c.1913A>G on transcript NM_130847.3 (MANE Select); coding-DNA position 1913, A replaced by G.
Protein change: p.Glu638Gly; replaces glutamic acid 638 with glycine.
Molecular consequence: missense variant.
Genome position (GRCh38, 1-based): chr11:94,854,051, A>G. VCF-style: chr11-94854051-A-G. GRCh37 (hg19) VCF-style: chr11-94587216-A-G.
Other names: c.1763A>G, p.Glu588Gly (NM_001301007.2); short protein forms E588G, E638G.
Identifiers: ClinVar variation 3777346 (VCV003777346.1).
Genomic context (GRCh38, chr11:94,854,051, plus strand): 5'-AGCTGCAGTCTGCATGTGAGAAGCGAGAACAGATGGAGCGGAGACTGCGGACTTGGCTGG[A>G]GAGAGAGCTGGATGCACTGAGAACCCAGCAGGTAAGGAACTGGGCATGGACTGGTGAAAG-3'
Protein context (NP_570899.1, residues 628-648): QMERRLRTWL[Glu638Gly]RELDALRTQQ